The following is an entry in ClinVar:

NM_005228.5(EGFR):c.809A>G (p.Tyr270Cys)

Gene: EGFR (epidermal growth factor receptor; plus strand). Cytogenetic location: 7p11.2.
Variant type: single nucleotide variant.
Coding change: c.809A>G on transcript NM_005228.5 (MANE Select); coding-DNA position 809, A replaced by G.
Protein change: p.Tyr270Cys; replaces tyrosine 270 with cysteine.
Molecular consequence: missense variant. On other transcripts: intron variant (1).
Genome position (GRCh38, 1-based): chr7:55,154,072, A>G. VCF-style: chr7-55154072-A-G. GRCh37 (hg19) VCF-style: chr7-55221765-A-G.
Other names: c.674A>G, p.Tyr225Cys (NM_001346897.2, NM_001346899.2); c.809A>G, p.Tyr270Cys (NM_001346898.2, NM_201282.2, NM_201283.2 and 1 more transcripts); c.650A>G, p.Tyr217Cys (NM_001346900.2); c.89-1758A>G (NM_001346941.2); short protein forms Y225C, Y270C, Y217C.
Identifiers: ClinVar variation 2762054 (VCV002762054.3), dbSNP rs2128934980, ClinGen allele CA367577718.

ClinVar aggregate classification (germline): Uncertain significance (1 of 4 stars; one submission).

Conditions:
EGFR-related lung cancer (EGFR). Identifiers: MedGen CN130014.

Submission:

Labcorp Genetics (formerly Invitae), Labcorp
Classification: Uncertain significance for EGFR-related lung cancer. Last evaluated: 2023-09-20. Review status: criteria provided, single submitter. Criteria: Invitae Variant Classification Sherloc (09022015). Collection method: clinical testing. Allele origin: germline.
Comment: This variant has not been reported in the literature in individuals affected with EGFR-related conditions. Advanced modeling of protein sequence and biophysical properties (such as structural, functional, and spatial information, amino acid conservation, physicochemical variation, residue mobility, and thermodynamic stability) performed at Invitae indicates that this missense variant is expected to disrupt EGFR protein function. In summary, the available evidence is currently insufficient to determine the role of this variant in disease. Therefore, it has been classified as a Variant of Uncertain Significance. This variant is not present in population databases (gnomAD no frequency). This sequence change replaces tyrosine, which is neutral and polar, with cysteine, which is neutral and slightly polar, at codon 270 of the EGFR protein (p.Tyr270Cys).